The following is an entry in ClinVar:

NM_000132.4(F8):c.5999G>T (p.Gly2000Val)

Gene: F8 (coagulation factor VIII; minus strand). Cytogenetic location: Xq28.
Variant type: single nucleotide variant.
Coding change: c.5999G>T on transcript NM_000132.4 (MANE Select); coding-DNA position 5999, G replaced by T.
Protein change: p.Gly2000Val; replaces glycine 2000 with valine.
Molecular consequence: missense variant.
Genome position (GRCh38, 1-based): chrX:154,902,167, C>A on the plus strand (G>T on the coding strand, the complement: F8 is on the minus strand). VCF-style: chrX-154902167-C-A. GRCh37 (hg19) VCF-style: chrX-154130442-C-A.
Other names: short protein forms G2000V.
Identifiers: ClinVar variation 811156 (VCV000811156.9), dbSNP rs1603432913, ClinGen allele CA414905214.

ClinVar aggregate classification (germline): Pathogenic (1 of 4 stars; one submission).

Conditions:
Hereditary factor VIII deficiency disease (HEMA). Also called: AUTOSOMAL HEMOPHILIA A; Hemophilia A; HEMOPHILIA, CLASSIC; Hemophilia A, congenital; HEM A; Factor 8 deficiency, congenital. Identifiers: Orphanet 98878, MedGen C0019069, MONDO:0010602, OMIM 306700.

Allele frequency attached by ClinVar (database versions not stated): gnomAD exomes below 0.00001.
gnomAD v4.1: 1 of 1,170,196 alleles (0.000085%); highest among the groups gnomAD compares: Non-Finnish European, 0.00012%; no homozygotes.

Submissions (2):

ARUP Laboratories, Molecular Genetics and Genomics, ARUP Laboratories
Classification: Pathogenic for Hereditary factor VIII deficiency disease. Last evaluated: 2018-10-11. Review status: criteria provided, single submitter. Criteria: ARUP Molecular Germline Variant Investigation Process. Collection method: clinical testing. Allele origin: germline.
Comment: The F8 c.5999G>T; p.Gly2000Val variant, is reported in the literature in at least one individual affected with severe hemophilia A (You 2010). This variant is absent from general population databases (1000 Genomes Project, Exome Variant Server, and Genome Aggregation Database), indicating it is not a common polymorphism. The glycine at codon 2000 is highly conserved, and computational analyses (SIFT, PolyPhen-2) predict that this variant is deleterious. Other computational analyses (Alamut v.2.11) predict that this variant may impact splicing weakening the nearby canonical acceptor splice site. Additionally, other amino acid substitutions at this codon (Ala, Arg, Asp, Ser) have been reported in individuals with severe hemophilia and are considered pathogenic (Awidi 2010, Goodeve 2000, Lu 2018, Santacroce 2008, Factor VIII database and references therein). Based on available information, the p.Gly2000Val variant is considered to be pathogenic. References: Link to Factor VIII database: Awidi A et al. Study of mutations in Jordanian patients with haemophilia A: identification of five novel mutations. Haemophilia. 2010 Jan;16(1):136-42. Goodeve AC et al. Relationship between factor VIII mutation type and inhibitor development in a cohort of previously untreated patients treated with recombinant factor VIII (Recombinate). Recombinate PUP Study Group. Thromb Haemost. 2000 Jun;83(6):844-8. Lu Y et al. Spectrum and origin of mutations in sporadic cases of haemophilia A in China. Haemophilia. 2018 Mar;24(2):291-298. Santacroce R et al. Identification of 217 unreported mutations in the F8 gene in a group of 1,410 unselected Italian patients with hemophilia A. J Hum Genet. 2008;53(3):275-84. You CW et al. Mutation analysis of factor VIII in Korean patients with severe hemophilia A. Int J Hematol. 2010 Jun;91(5):784-91.

Dr. Peter K. Rogan Lab, Western University
No classification provided (evidence only). Condition: Thyroid cancer, nonmedullary, 1. Review status: no classification provided. Collection method: in vitro. Allele origin: not applicable. Functional consequence: retained intron. Not counted in ClinVar's aggregate classification.